The following is an entry in ClinVar:

NM_201384.3(PLEC):c.8702C>T (p.Ala2901Val)

Gene: PLEC (plectin; minus strand). Cytogenetic location: 8q24.3.
Variant type: single nucleotide variant.
Coding change: c.8702C>T on transcript NM_201384.3 (MANE Select); coding-DNA position 8702, C replaced by T.
Protein change: p.Ala2901Val; replaces alanine 2901 with valine.
Molecular consequence: missense variant.
Genome position (GRCh38, 1-based): chr8:143,921,119, G>A on the plus strand (C>T on the coding strand, the complement: PLEC is on the minus strand). VCF-style: chr8-143921119-G-A. GRCh37 (hg19) VCF-style: chr8-144995287-G-A.
Other names: c.8783C>T, p.Ala2928Val (NM_000445.5); c.5402C>T, p.Ala1801Val (NM_001410941.1); c.8660C>T, p.Ala2887Val (NM_201378.4); c.8636C>T, p.Ala2879Val (NM_201379.3); c.9113C>T, p.Ala3038Val (NM_201380.4); c.8606C>T, p.Ala2869Val (NM_201381.3); c.8702C>T, p.Ala2901Val (NM_201382.4); c.8714C>T, p.Ala2905Val (NM_201383.3); short protein forms A1801V, A2869V, A2879V, A2887V, A2901V, A2905V, A2928V, A3038V.
Identifiers: ClinVar variation 1720781 (VCV001720781.6), dbSNP rs1373897847, ClinGen allele CA372515512.

ClinVar aggregate classification (germline): Uncertain significance (1 of 4 stars; one submission).

Conditions:
Autosomal recessive limb-girdle muscular dystrophy type 2Q (LGMDR17). Also called: MUSCULAR DYSTROPHY, LIMB-GIRDLE, AUTOSOMAL RECESSIVE 17. Identifiers: Orphanet 254361, MedGen C3150989, MONDO:0013390, OMIM 613723.
Epidermolysis bullosa simplex with nail dystrophy (EBS5D). Identifiers: MedGen C4225309, MONDO:0014661, OMIM 616487.
Epidermolysis bullosa simplex, Ogna type (EBS5A). Also called: Pidermolysis bullosa simplex 5A, Ogna type; EPIDERMOLYSIS BULLOSA SIMPLEX 5A, OGNA TYPE. Identifiers: Orphanet 79401, MedGen C0432317, MONDO:0007555, OMIM 131950.
Epidermolysis bullosa simplex 5B, with muscular dystrophy (EBS5B). Also called: Epidermolysis bullosa simplex with muscular dystrophy; EPIDERMOLYSIS BULLOSA SIMPLEX AND LIMB-GIRDLE MUSCULAR DYSTROPHY. Identifiers: Orphanet 257, MedGen C2931072, MONDO:0009181, OMIM 226670.
Epidermolysis bullosa simplex 5C, with pyloric atresia (EBS5C). Also called: PLEC-Related Epidermolysis Bullosa with Pyloric Atresia; Epidermolysis bullosa simplex with pyloric atresia; PLEC1-Related Epidermolysis Bullosa with Pyloric Atresia. Identifiers: Orphanet 158684, MedGen C2677349, MONDO:0012807, OMIM 612138.

Allele frequency attached by ClinVar (database versions not stated): TOPMed below 0.00001; gnomAD 0.00001.
gnomAD v4.1: 1 of 1,612,530 alleles (0.000062%); highest among the groups gnomAD compares: Non-Finnish European, 0.000085%; no homozygotes.

Submission:

Labcorp Genetics (formerly Invitae), Labcorp
Classification: Uncertain significance for Autosomal recessive limb-girdle muscular dystrophy type 2Q; Epidermolysis bullosa simplex, Ogna type; Epidermolysis bullosa simplex with nail dystrophy; Epidermolysis bullosa simplex 5C, with pyloric atresia; Epidermolysis bullosa simplex 5B, with muscular dystrophy. Last evaluated: 2022-08-26. Review status: criteria provided, single submitter. Criteria: Invitae Variant Classification Sherloc (09022015). Collection method: clinical testing. Allele origin: germline.
Comment: This sequence change replaces alanine, which is neutral and non-polar, with valine, which is neutral and non-polar, at codon 2928 of the PLEC protein (p.Ala2928Val). This variant is present in population databases (no rsID available, gnomAD 0.0009%). This variant has not been reported in the literature in individuals affected with PLEC-related conditions. Algorithms developed to predict the effect of missense changes on protein structure and function output the following: SIFT: "Tolerated"; PolyPhen-2: "Possibly Damaging"; Align-GVGD: "Class C0". The valine amino acid residue is found in multiple mammalian species, which suggests that this missense change does not adversely affect protein function. In summary, the available evidence is currently insufficient to determine the role of this variant in disease. Therefore, it has been classified as a Variant of Uncertain Significance.